The following is an entry in ClinVar:

NM_020547.3(AMHR2):c.808C>T (p.Arg270Cys)

Gene: AMHR2 (anti-Mullerian hormone receptor type 2; plus strand). Cytogenetic location: 12q13.13.
Variant type: single nucleotide variant.
Coding change: c.808C>T on transcript NM_020547.3 (MANE Select); coding-DNA position 808, C replaced by T.
Protein change: p.Arg270Cys; replaces arginine 270 with cysteine.
Molecular consequence: missense variant.
Genome position (GRCh38, 1-based): chr12:53,425,875, C>T. VCF-style: chr12-53425875-C-T. GRCh37 (hg19) VCF-style: chr12-53819659-C-T.
Other names: c.808C>T, p.Arg270Cys (NM_001164690.2, NM_001164691.2); short protein forms R270C.
Identifiers: ClinVar variation 2075953 (VCV002075953.4), dbSNP rs748586967, ClinGen allele CA6600453.
Genomic context (GRCh38, chr12:53,425,875, plus strand): 5'-CCAGGCCTACAGCACGACCACATTGTCCGATTTATCACTGCCAGCCGGGGGGGTCCTGGC[C>T]GCCTGCTCTCTGGGCCCCTGCTGGTACTGGAACTGCATCCCAAGGTGAGCACCAAGGAGT-3'
Protein context (NP_065434.1, residues 260-280): FITASRGGPG[Arg270Cys]LLSGPLLVLE

ClinVar aggregate classification (germline): Uncertain significance (1 of 4 stars; one submission).

Allele frequency attached by ClinVar (database versions not stated): TOPMed 0.00002; gnomAD 0.00001; gnomAD exomes 0.00002; ExAC 0.00005.
gnomAD v4.1: 33 of 1,613,930 alleles (0.002%); highest among the groups gnomAD compares: Admixed American, 0.015%; no homozygotes.

Submission:

Labcorp Genetics (formerly Invitae), Labcorp
Classification: Uncertain significance. Last evaluated: 2022-03-04. Review status: criteria provided, single submitter. Criteria: Invitae Variant Classification Sherloc (09022015). Collection method: clinical testing. Allele origin: germline.
Comment: In summary, the available evidence is currently insufficient to determine the role of this variant in disease. Therefore, it has been classified as a Variant of Uncertain Significance. Algorithms developed to predict the effect of missense changes on protein structure and function are either unavailable or do not agree on the potential impact of this missense change (SIFT: "Deleterious"; PolyPhen-2: "Benign"; Align-GVGD: "Class C15"). This variant has not been reported in the literature in individuals affected with AMHR2-related conditions. This variant is present in population databases (rs748586967, gnomAD 0.02%). This sequence change replaces arginine, which is basic and polar, with cysteine, which is neutral and slightly polar, at codon 270 of the AMHR2 protein (p.Arg270Cys).